The following is an entry in ClinVar:

NM_001042492.3(NF1):c.1592A>T (p.Gln531Leu)

Gene: NF1 (neurofibromin 1; plus strand). Cytogenetic location: 17q11.2.
Variant type: single nucleotide variant.
Coding change: c.1592A>T on transcript NM_001042492.3 (MANE Select); coding-DNA position 1592, A replaced by T.
Protein change: p.Gln531Leu; replaces glutamine 531 with leucine.
Molecular consequence: missense variant.
Genome position (GRCh38, 1-based): chr17:31,219,069, A>T. VCF-style: chr17-31219069-A-T. GRCh37 (hg19) VCF-style: chr17-29546087-A-T.
Other names: c.1592A>T, p.Gln531Leu (NM_000267.4, NM_001128147.3); short protein forms Q531L.
Identifiers: ClinVar variation 1692321 (VCV001692321.1), dbSNP rs2143986626, ClinGen allele CA399001951.

ClinVar aggregate classification (germline): Uncertain significance (1 of 4 stars; one submission).

Conditions:
Hereditary cancer-predisposing syndrome. Also called: Hereditary Cancer Syndrome; Hereditary neoplastic syndrome; Neoplastic Syndromes, Hereditary; Tumor predisposition. Identifiers: Orphanet 140162, MedGen C0027672, MeSH D009386, MONDO:0015356.

Submission:

Sema4
Classification: Uncertain significance for Hereditary cancer-predisposing syndrome. Last evaluated: 2022-01-19. Review status: criteria provided, single submitter. Criteria: Sema4 Curation Guidelines. Collection method: curation. Allele origin: germline.
Comment: The NF1 c.1592A>T (p.Q531L) variant has not been reported in the literature to our knowledge. It was not observed in the large and broad cohorts of the Genome Aggregation Database (PMID: 32461654). It has not been reported in ClinVar. Functional studies have not been performed, and in silico predictions of the variant's effect on protein function are inconclusive. The evidence is insufficient to meet ACMG/AMP criteria for classifying the variant as benign or pathogenic. Thus, the clinical significance of this variant is currently uncertain.